The following is an entry in ClinVar:

NM_000493.4(COL10A1):c.1411A>G (p.Ser471Gly)

Genes: COL10A1 (collagen type X alpha 1 chain; minus strand), NT5DC1 (5'-nucleotidase domain containing 1; plus strand). Cytogenetic location: 6q22.1.
Variant type: single nucleotide variant.
Coding change: c.1411A>G on transcript NM_000493.4 (MANE Select); coding-DNA position 1411, A replaced by G.
Protein change: p.Ser471Gly; replaces serine 471 with glycine.
Molecular consequence: missense variant. On other transcripts: intron variant (1).
Genome position (GRCh38, 1-based): chr6:116,120,705, T>C on the plus strand (A>G on the coding strand, the complement: COL10A1 is on the minus strand). VCF-style: chr6-116120705-T-C. GRCh37 (hg19) VCF-style: chr6-116441868-T-C.
Other names: c.1411A>G, p.Ser471Gly (NM_001424106.1, NM_001424107.1); c.529+2760T>C (NM_152729.3); short protein forms S471G.
Identifiers: ClinVar variation 1719272 (VCV001719272.6), dbSNP rs1779090502, ClinGen allele CA365388225.

ClinVar aggregate classification (germline): Uncertain significance (1 of 4 stars; one submission).

Allele frequency attached by ClinVar (database versions not stated): TOPMed below 0.00001.

Submission:

Labcorp Genetics (formerly Invitae), Labcorp
Classification: Uncertain significance. Last evaluated: 2022-09-12. Review status: criteria provided, single submitter. Criteria: Invitae Variant Classification Sherloc (09022015). Collection method: clinical testing. Allele origin: germline.
Comment: This sequence change replaces serine, which is neutral and polar, with glycine, which is neutral and non-polar, at codon 471 of the COL10A1 protein (p.Ser471Gly). In summary, the available evidence is currently insufficient to determine the role of this variant in disease. Therefore, it has been classified as a Variant of Uncertain Significance. Advanced modeling of protein sequence and biophysical properties (such as structural, functional, and spatial information, amino acid conservation, physicochemical variation, residue mobility, and thermodynamic stability) has been performed at Invitae for this missense variant, however the output from this modeling did not meet the statistical confidence thresholds required to predict the impact of this variant on COL10A1 protein function. This variant has not been reported in the literature in individuals affected with COL10A1-related conditions. This variant is not present in population databases (gnomAD no frequency).